The following is an entry in ClinVar:

NM_000043.6(FAS):c.685_686del (p.Leu229fs)

Gene: FAS (Fas cell surface death receptor; plus strand). Cytogenetic location: 10q23.31.
Variant type: Deletion.
Coding change: c.685_686del on transcript NM_000043.6 (MANE Select); coding-DNA positions 685 to 686, 2 bases deleted (TT; older notation c.685_686delTT).
Protein change: p.Leu229fs; shifts the reading frame from leucine 229.
Molecular consequence: frameshift variant. On other transcripts: 3 prime UTR variant (1), non-coding transcript variant (7).
Genome position (GRCh38, 1-based): chr10:89,014,127-89,014,128, TT deleted. VCF-style (leftmost placement, unchanged base first): chr10-89014126-CTT-C. GRCh37 (hg19) VCF-style: chr10-90773883-CTT-C.
Other names: c.*8_*9del (NM_001320619.2); c.622_623del, p.Leu208fs (NM_152871.4); c.660_661del, p.Ter221SerextTer? (NM_152872.4); short protein forms L208fs, L229fs.
Identifiers: ClinVar variation 1701144 (VCV001701144.34), dbSNP rs2119445087, ClinGen allele CA2580082342.

ClinVar aggregate classification (germline): Pathogenic/Likely pathogenic. Review status: criteria provided, multiple submitters, no conflicts (2 of 4 stars). 2 submissions from 2 submitters: Pathogenic (1); Likely pathogenic (1). Last evaluated 2023-10-24.

Conditions:
Autoimmune lymphoproliferative syndrome type 1. Also called: AUTOIMMUNE LYMPHOPROLIFERATIVE SYNDROME, TYPE I, AUTOSOMAL DOMINANT. Identifiers: Orphanet 3261, MedGen C2717884, MONDO:0011158, OMIM 601859.

Submissions (2):

Labcorp Genetics (formerly Invitae), Labcorp
Classification: Pathogenic for Autoimmune lymphoproliferative syndrome. Last evaluated: 2023-10-24. Review status: criteria provided, single submitter. Criteria: Invitae Variant Classification Sherloc (09022015). Collection method: clinical testing. Allele origin: germline.
Comment: This sequence change creates a premature translational stop signal (p.Leu229Glufs*2) in the FAS gene. While this is not anticipated to result in nonsense mediated decay, it is expected to disrupt the last 107 amino acid(s) of the FAS protein. This variant is not present in population databases (gnomAD no frequency). This variant has not been reported in the literature in individuals affected with FAS-related conditions. ClinVar contains an entry for this variant (Variation ID: 1701144). This variant disrupts a region of the FAS protein in which other variant(s) (p.Leu294*) have been determined to be pathogenic (PMID: 10090885, 21490157, 23407489). This suggests that this is a clinically significant region of the protein, and that variants that disrupt it are likely to be disease-causing. For these reasons, this variant has been classified as Pathogenic.

CeGaT Center for Human Genetics Tuebingen
Classification: Likely pathogenic. Last evaluated: 2022-07-01. Review status: criteria provided, single submitter. Criteria: CeGaT Center For Human Genetics Tuebingen Variant Classification Criteria Version 2. Collection method: clinical testing. Allele origin: germline. Affected: yes. Observed: 1 variant allele.
Comment: FAS: PVS1:Strong, PM2, PP4

Literature cited by the submitters: PubMed 10090885 (cited by Labcorp Genetics (formerly Invitae), Labcorp); PubMed 21490157 (cited by Labcorp Genetics (formerly Invitae), Labcorp); PubMed 23407489 (cited by Labcorp Genetics (formerly Invitae), Labcorp).